The following is an entry in ClinVar:

NM_006767.4(LZTR1):c.1418A>T (p.Lys473Met)

Gene: LZTR1 (leucine zipper like post translational regulator 1; plus strand). Cytogenetic location: 22q11.21.
Variant type: single nucleotide variant.
Coding change: c.1418A>T on transcript NM_006767.4 (MANE Select); coding-DNA position 1418, A replaced by T.
Protein change: p.Lys473Met; replaces lysine 473 with methionine.
Molecular consequence: missense variant.
Genome position (GRCh38, 1-based): chr22:20,993,988, A>T. VCF-style: chr22-20993988-A-T. GRCh37 (hg19) VCF-style: chr22-21348277-A-T.
Other names: short protein forms K473M.
Identifiers: ClinVar variation 3869273 (VCV003869273.1).

ClinVar aggregate classification (germline): Uncertain significance (1 of 4 stars; one submission).

Conditions:
Hereditary cancer-predisposing syndrome. Also called: Hereditary neoplastic syndrome; Neoplastic Syndromes, Hereditary; Tumor predisposition; Hereditary Cancer Syndrome. Identifiers: Orphanet 140162, MedGen C0027672, MeSH D009386, MONDO:0015356.
Cardiovascular phenotype. Identifiers: MedGen CN230736.

Submission:

Ambry Genetics
Classification: Uncertain significance for Cardiovascular phenotype; Hereditary cancer-predisposing syndrome. Last evaluated: 2024-12-20. Review status: criteria provided, single submitter. Criteria: Ambry Variant Classification Scheme 2023. Collection method: clinical testing. Allele origin: germline.
Comment: The p.K473M variant (also known as c.1418A>T), located in coding exon 13 of the LZTR1 gene, results from an A to T substitution at nucleotide position 1418. The lysine at codon 473 is replaced by methionine, an amino acid with similar properties. This amino acid position is conserved. In addition, the in silico prediction for this alteration is inconclusive. Based on the available evidence, the clinical significance of this variant remains unclear.